The following is an entry in ClinVar:

NM_000548.5(TSC2):c.5260-11T>C

Gene: TSC2 (TSC complex subunit 2; plus strand). Cytogenetic location: 16p13.3.
Variant type: single nucleotide variant.
Coding change: c.5260-11T>C on transcript NM_000548.5 (MANE Select); 11 bases into the intron before coding-DNA position 5260, T replaced by C.
Molecular consequence: intron variant.
Genome position (GRCh38, 1-based): chr16:2,088,435, T>C. VCF-style: chr16-2088435-T-C. GRCh37 (hg19) VCF-style: chr16-2138436-T-C.
Other names: c.5047-11T>C (NM_001406673.1); c.4600-11T>C (NM_001406681.1); c.5080-11T>C (NM_001406670.1); c.4591-11T>C (NM_001406682.1, NM_001406683.1); c.4951-11T>C (NM_001318827.2); c.4948-11T>C (NM_001406678.1); c.4588-11T>C (NM_001406684.1); c.4462-11T>C (NM_001406685.1, NM_001406686.1); and 27 more.
Identifiers: ClinVar variation 4071114 (VCV004071114.1).

ClinVar aggregate classification (germline): Likely benign (1 of 4 stars; one submission).

Conditions:
Tuberous sclerosis 2 (TSC2). Identifiers: Orphanet 805, MedGen C1860707, MONDO:0013199, OMIM 613254.

gnomAD v4.1: 1 of 1,612,750 alleles (0.000062%); highest among the groups gnomAD compares: Non-Finnish European, 0.000085%; no homozygotes.

Submission:

Myriad Genetics, Inc.
Classification: Likely benign for Tuberous sclerosis 2. Last evaluated: 2025-06-06. Review status: criteria provided, single submitter. Criteria: Myriad Autosomal Dominant, Autosomal Recessive and X-Linked Classification Criteria (2023). Collection method: clinical testing. Allele origin: unknown.
Comment: This variant is considered likely benign. This variant is intronic and is not expected to impact mRNA splicing.